The following is an entry in ClinVar:

NM_000548.5(TSC2):c.1443+5G>A

Gene: TSC2 (TSC complex subunit 2; plus strand). Cytogenetic location: 16p13.3.
Variant type: single nucleotide variant.
Coding change: c.1443+5G>A on transcript NM_000548.5 (MANE Select); 5 bases into the intron after coding-DNA position 1443, G replaced by A.
Molecular consequence: intron variant.
Genome position (GRCh38, 1-based): chr16:2,063,058, G>A. VCF-style: chr16-2063058-G-A. GRCh37 (hg19) VCF-style: chr16-2113059-G-A.
Other names: c.1443+5G>A (NM_001114382.3, NM_021055.3, NM_001370405.1 and 3 more transcripts); c.1332+5G>A (NM_001318827.2); c.843+5G>A (NM_001318831.2); c.1296+5G>A (NM_001318829.2); c.1476+5G>A (NM_001318832.2).
Identifiers: ClinVar variation 383238 (VCV000383238.20), dbSNP rs1057521562, ClinGen allele CA16608034.

ClinVar aggregate classification (germline): Conflicting classifications of pathogenicity. Review status: criteria provided, conflicting classifications (1 of 4 stars). 6 submissions from 6 submitters: Uncertain significance (3); Likely benign (3). Last evaluated 2026-02-03.

Conditions:
Tuberous sclerosis 2 (TSC2). Identifiers: Orphanet 805, MedGen C1860707, MONDO:0013199, OMIM 613254.
Hereditary cancer-predisposing syndrome. Also called: Tumor predisposition; Hereditary neoplastic syndrome; Neoplastic Syndromes, Hereditary; Hereditary Cancer Syndrome. Identifiers: Orphanet 140162, MedGen C0027672, MeSH D009386, MONDO:0015356.
Isolated focal cortical dysplasia type II (FCORD2). Also called: CORTICAL DYSPLASIA OF TAYLOR; Focal cortical dysplasia type II. Identifiers: Orphanet 268994, MedGen C1846385, MONDO:0011818, OMIM 607341, HP:0032051.

Allele frequency attached by ClinVar (database versions not stated): gnomAD exomes below 0.00001.
gnomAD v4.1: 2 of 1,551,462 alleles (0.00013%); highest among the groups gnomAD compares: East Asian, 0.0024%; no homozygotes.

Submissions (7):

Women's Health and Genetics/Laboratory Corporation of America, LabCorp
Classification: Uncertain significance. Last evaluated: 2026-02-03. Review status: criteria provided, single submitter. Criteria: LabCorp Variant Classification Summary - May 2015. Collection method: clinical testing. Allele origin: germline.
Comment: Variant summary: TSC2 c.1443+5G>A alters a nucleotide located close to a canonical splice site and therefore could affect mRNA splicing, leading to a significantly altered protein sequence. Several computational tools predict a significant impact on normal splicing: Four predict the variant weakens a 5' donor site. However, these predictions have yet to be confirmed by functional studies. The variant was absent in 156192 control chromosomes. The available data on variant occurrences in the general population are insufficient to allow any conclusion about variant significance. To our knowledge, no occurrence of c.1443+5G>A in individuals affected with TSC2-related conditions and no experimental evidence demonstrating its impact on protein function have been reported. ClinVar contains an entry for this variant (Variation ID: 383238). Based on the evidence outlined above, the variant was classified as uncertain significance.

Labcorp Genetics (formerly Invitae), Labcorp
Classification: Likely benign for Tuberous sclerosis 2. Last evaluated: 2025-11-17. Review status: criteria provided, single submitter. Criteria: Invitae Variant Classification Sherloc (09022015). Collection method: clinical testing. Allele origin: germline.

Ambry Genetics
Classification: Uncertain significance for Hereditary cancer-predisposing syndrome. Last evaluated: 2025-07-14. Review status: criteria provided, single submitter. Criteria: Ambry Variant Classification Scheme 2023. Collection method: clinical testing. Allele origin: germline.
Comment: The c.1443+5G>A intronic variant results from a G to A substitution 5 nucleotides after coding exon 13 in the TSC2 gene. This variant was detected as heterozygous in individual(s) with no reported features of tuberous sclerosis complex (Ambry internal data). This nucleotide position is highly conserved in available vertebrate species. In silico splice site analysis for this alteration is inconclusive. RNA studies have demonstrated that this alteration results in an incomplete splice defect; the clinical impact of this abnormal splicing is unknown at this time (Ambry internal data). Based on the available evidence, the clinical significance of this variant remains unclear.

Baylor Genetics
Classification: Uncertain significance for Isolated focal cortical dysplasia type II. Last evaluated: 2023-10-17. Review status: criteria provided, single submitter. Criteria: ACMG Guidelines, 2015. Collection method: clinical testing. Allele origin: unknown.

Genome-Nilou Lab
Classification: Likely benign for Tuberous sclerosis 2. Last evaluated: 2021-11-07. Review status: criteria provided, single submitter. Criteria: ACMG Guidelines, 2015. Collection method: clinical testing. Allele origin: germline. Affected: no.

GeneDx
Classification: Likely benign. Last evaluated: 2019-11-15. Review status: criteria provided, single submitter. Criteria: GeneDx Variant Classification Process June 2021. Collection method: clinical testing. Allele origin: germline. Affected: yes.
Comment: Has not been previously published as pathogenic or benign to our knowledge

Dr. Peter K. Rogan Lab, Western University
No classification provided (evidence only). Condition: Thymoma. Review status: no classification provided. Collection method: in vitro. Allele origin: not applicable. Functional consequence: retained intron. Not counted in ClinVar's aggregate classification.